The following is an entry in ClinVar:

ClinVar aggregate classification (germline): Uncertain significance (1 of 4 stars; one submission).

Conditions:
RAP1B-related disorder. Also called: RAP1B-related condition.

gnomAD v4.1: 1 of 1,612,598 alleles (0.000062%); highest among the groups gnomAD compares: Non-Finnish European, 0.000085%; no homozygotes.

Submission:

PreventionGenetics, part of Exact Sciences
Classification: Uncertain significance for RAP1B-related condition. Last evaluated: 2026-03-17. Review status: criteria provided, single submitter. Criteria: ACMG Guidelines, 2015. Collection method: clinical testing. Allele origin: germline.
Comment: The RAP1B c.143C>T variant is predicted to result in the amino acid substitution p.Ala48Val. To our knowledge, this variant has not been reported in the literature. This variant is reported in 0.00088% of alleles in individuals of European (Non-Finnish) descent in gnomAD. At this time, the clinical significance of this variant is uncertain due to the absence of conclusive functional and genetic evidence.

NM_001010942.3(RAP1B):c.143C>T (p.Ala48Val)

Gene: RAP1B (RAP1B, member of RAS oncogene family; plus strand). Cytogenetic location: 12q15.
Variant type: single nucleotide variant.
Coding change: c.143C>T on transcript NM_001010942.3 (MANE Select); coding-DNA position 143, C replaced by T.
Protein change: p.Ala48Val; replaces alanine 48 with valine.
Molecular consequence: missense variant. On other transcripts: intron variant (3).
Genome position (GRCh38, 1-based): chr12:68,652,011, C>T. VCF-style: chr12-68652011-C-T. GRCh37 (hg19) VCF-style: chr12-69045791-C-T.
Other names: c.143C>T, p.Ala48Val (NM_001251922.2, NM_015646.6); c.58-2101C>T (NM_001251917.2, NM_001251918.2); c.126+1543C>T (NM_001251921.2); short protein forms A48V.
Identifiers: ClinVar variation 4988133 (VCV004988133.1).
Genomic context (GRCh38, chr12:68,652,011, plus strand): 5'-ATGTACATTGAAAAAATGAACATGTATTTTAATTTTTCTACCAGCAAGTTGAAGTAGATG[C>T]ACAACAGTGTATGCTTGAAATCTTGGATACTGCAGGAACGGTAGGTAAAACTAAATACCA-3'
Protein context (NP_001010942.1, residues 38-58): DSYRKQVEVD[Ala48Val]QQCMLEILDT